The following is an entry in ClinVar:

ClinVar aggregate classification (germline): Uncertain significance. Review status: criteria provided, multiple submitters, no conflicts (2 of 4 stars). 3 submissions from 3 submitters: Uncertain significance (3). Last evaluated 2025-07-12.

Allele frequency attached by ClinVar (database versions not stated): ExAC 0.00001; gnomAD exomes 0.00002; gnomAD 0.00003; TOPMed 0.00006; ESP Exome Variant Server 0.00015.
gnomAD v4.1: 48 of 1,612,732 alleles (0.003%); highest among the groups gnomAD compares: Non-Finnish European, 0.0039%; no homozygotes.

Submissions (3):

Ambry Genetics
Classification: Uncertain significance. Last evaluated: 2025-07-12. Review status: criteria provided, single submitter. Criteria: Ambry Variant Classification Scheme 2023. Collection method: clinical testing. Allele origin: germline.

Labcorp Genetics (formerly Invitae), Labcorp
Classification: Uncertain significance. Last evaluated: 2022-08-08. Review status: criteria provided, single submitter. Criteria: Invitae Variant Classification Sherloc (09022015). Collection method: clinical testing. Allele origin: germline.
Comment: In summary, the available evidence is currently insufficient to determine the role of this variant in disease. Therefore, it has been classified as a Variant of Uncertain Significance. Algorithms developed to predict the effect of missense changes on protein structure and function are either unavailable or do not agree on the potential impact of this missense change (SIFT: "Deleterious"; PolyPhen-2: "Benign"; Align-GVGD: "Class C0"). ClinVar contains an entry for this variant (Variation ID: 955433). This variant has not been reported in the literature in individuals affected with SAMD11-related conditions. This variant is present in population databases (rs145171215, gnomAD 0.007%). This sequence change replaces alanine, which is neutral and non-polar, with valine, which is neutral and non-polar, at codon 599 of the SAMD11 protein (p.Ala599Val).

Blueprint Genetics
Classification: Uncertain significance. Last evaluated: 2021-11-18. Review status: criteria provided, single submitter. Criteria: ACMG Guidelines, 2015. Collection method: clinical testing. Allele origin: germline.

NM_001385641.1(SAMD11):c.2285C>T (p.Ala762Val)

Gene: SAMD11 (sterile alpha motif domain containing 11; plus strand). Cytogenetic location: 1p36.33.
Variant type: single nucleotide variant.
Coding change: c.2285C>T on transcript NM_001385641.1 (MANE Select); coding-DNA position 2285, C replaced by T.
Protein change: p.Ala762Val; replaces alanine 762 with valine.
Molecular consequence: missense variant.
Genome position (GRCh38, 1-based): chr1:943,804, C>T. VCF-style: chr1-943804-C-T. GRCh37 (hg19) VCF-style: chr1-879184-C-T.
Other names: c.2288C>T, p.Ala763Val (NM_001385640.1); c.1796C>T, p.Ala599Val (NM_152486.4); short protein forms A599V, A762V, A763V.
Identifiers: ClinVar variation 955433 (VCV000955433.9), dbSNP rs145171215, ClinGen allele CA503279.